The following is an entry in ClinVar:

NM_015629.4(PRPF31):c.716C>T (p.Thr239Ile)

Gene: PRPF31 (pre-mRNA processing factor 31; plus strand). Cytogenetic location: 19q13.42.
Variant type: single nucleotide variant.
Coding change: c.716C>T on transcript NM_015629.4 (MANE Select); coding-DNA position 716, C replaced by T.
Protein change: p.Thr239Ile; replaces threonine 239 with isoleucine.
Molecular consequence: missense variant.
Genome position (GRCh38, 1-based): chr19:54,124,517, C>T. VCF-style: chr19-54124517-C-T. GRCh37 (hg19) VCF-style: chr19-54627896-C-T.
Other names: short protein forms T239I.
Identifiers: ClinVar variation 1440193 (VCV001440193.9), dbSNP rs2073872372, ClinGen allele CA407751084.

ClinVar aggregate classification (germline): Uncertain significance. Review status: criteria provided, multiple submitters, no conflicts (2 of 4 stars). 2 submissions from 2 submitters: Uncertain significance (2). Last evaluated 2023-11-24.

Submissions (2):

Labcorp Genetics (formerly Invitae), Labcorp
Classification: Uncertain significance. Last evaluated: 2023-11-24. Review status: criteria provided, single submitter. Criteria: Invitae Variant Classification Sherloc (09022015). Collection method: clinical testing. Allele origin: germline.
Comment: This sequence change replaces threonine, which is neutral and polar, with isoleucine, which is neutral and non-polar, at codon 239 of the PRPF31 protein (p.Thr239Ile). This variant is not present in population databases (gnomAD no frequency). This missense change has been observed in individual(s) with clinical features of retinitis pigmentosa (Invitae). ClinVar contains an entry for this variant (Variation ID: 1440193). An algorithm developed to predict the effect of missense changes on protein structure and function (PolyPhen-2) suggests that this variant is likely to be tolerated. In summary, the available evidence is currently insufficient to determine the role of this variant in disease. Therefore, it has been classified as a Variant of Uncertain Significance.

Blueprint Genetics
Classification: Uncertain significance. Last evaluated: 2022-10-25. Review status: criteria provided, single submitter. Criteria: ACMG Guidelines, 2015. Collection method: clinical testing. Allele origin: germline.